The following is an entry in ClinVar:

NM_001352754.2(ARMC9):c.1483_1484del (p.Met495fs)

Gene: ARMC9 (armadillo repeat containing 9; plus strand). Cytogenetic location: 2q37.1.
Variant type: Deletion.
Coding change: c.1483_1484del on transcript NM_001352754.2 (MANE Select); coding-DNA positions 1483 to 1484, 2 bases deleted (AT; older notation c.1483_1484delAT).
Protein change: p.Met495fs; shifts the reading frame from methionine 495.
Molecular consequence: frameshift variant. On other transcripts: non-coding transcript variant (1).
Genome position (GRCh38, 1-based): chr2:231,278,390-231,278,391, AT deleted. VCF-style (leftmost placement, unchanged base first): chr2-231278389-CAT-C. GRCh37 (hg19) VCF-style: chr2-232143102-CAT-C.
Other names: c.1483_1484del, p.Met495fs (NM_001271466.4, NM_001291656.2, NM_001352755.2 and 3 more transcripts); c.1384_1385del, p.Met462fs (NM_001352757.2, NM_001352758.2); short protein forms M495fs, M462fs.
Identifiers: ClinVar variation 1454557 (VCV001454557.7), dbSNP rs757131811, ClinGen allele CA2160354.

ClinVar aggregate classification (germline): Pathogenic/Likely pathogenic. Review status: criteria provided, multiple submitters, no conflicts (2 of 4 stars). 2 submissions from 2 submitters: Pathogenic (1); Likely pathogenic (1). Last evaluated 2025-02-18.

Conditions:
Joubert syndrome 30. Identifiers: MedGen C4539937, MONDO:0033308, OMIM 617622.

Allele frequency attached by ClinVar (database versions not stated): gnomAD 0.00001; TOPMed 0.00001; gnomAD exomes 0.00001; ExAC 0.00001.

Submissions (2):

Greenwood Genetic Center Diagnostic Laboratories, Greenwood Genetic Center
Classification: Likely pathogenic for Joubert syndrome 30. Last evaluated: 2025-02-18. Review status: criteria provided, single submitter. Criteria: ACMG Guidelines, 2015. Collection method: clinical testing. Allele origin: germline. Affected: yes.
Comment: PVS1, PM2

Labcorp Genetics (formerly Invitae), Labcorp
Classification: Pathogenic. Last evaluated: 2020-11-18. Review status: criteria provided, single submitter. Criteria: Invitae Variant Classification Sherloc (09022015). Collection method: clinical testing. Allele origin: germline.
Comment: This variant is present in population databases (rs757131811, ExAC 0.009%). For these reasons, this variant has been classified as Pathogenic. This variant has not been reported in the literature in individuals with ARMC9-related conditions. This sequence change creates a premature translational stop signal (p.Met495Valfs*19) in the ARMC9 gene. It is expected to result in an absent or disrupted protein product. Loss-of-function variants in ARMC9 are known to be pathogenic (PMID: 28625504).

Literature cited by the submitters: PubMed 28625504 (cited by Labcorp Genetics (formerly Invitae), Labcorp).